The following is an entry in ClinVar:

NM_006790.3(MYOT):c.104C>A (p.Thr35Asn)

Genes: MYOT (myotilin; plus strand), PKD2L2-DT (PKD2L2 divergent transcript; minus strand). Cytogenetic location: 5q31.2.
Variant type: single nucleotide variant.
Coding change: c.104C>A on transcript NM_006790.3 (MANE Select); coding-DNA position 104, C replaced by A.
Protein change: p.Thr35Asn; replaces threonine 35 with asparagine.
Molecular consequence: missense variant. On other transcripts: intron variant (2).
Genome position (GRCh38, 1-based): chr5:137,870,755, C>A. VCF-style: chr5-137870755-C-A. GRCh37 (hg19) VCF-style: chr5-137206444-C-A.
Other names: c.-120-122C>A (NM_001300911.2); c.-197+230C>A (NM_001135940.2); short protein forms T35N.
Identifiers: ClinVar variation 4535996 (VCV004535996.1).

ClinVar aggregate classification (germline): Uncertain significance (1 of 4 stars; one submission).

Submission:

Women's Health and Genetics/Laboratory Corporation of America, LabCorp
Classification: Uncertain significance. Last evaluated: 2025-09-24. Review status: criteria provided, single submitter. Criteria: LabCorp Variant Classification Summary - May 2015. Collection method: clinical testing. Allele origin: germline.
Comment: Variant summary: MYOT c.104C>A (p.Thr35Asn) results in a non-conservative amino acid change in the encoded protein sequence. Algorithms developed to predict the effect of missense changes on protein structure and function are either unavailable or do not agree on the potential impact of this missense change. The variant was absent in 248868 control chromosomes. The available data on variant occurrences in the general population are insufficient to allow any conclusion about variant significance. To our knowledge, no occurrence of c.104C>A in individuals affected with MYOT-related conditions and no experimental evidence demonstrating its impact on protein function have been reported. No submitters have cited clinical-significance assessments for this variant to ClinVar. Based on the evidence outlined above, the variant was classified as uncertain significance.